The following is an entry in ClinVar:

NM_139057.4(ADAMTS17):c.*2013T>G

Gene: ADAMTS17 (ADAM metallopeptidase with thrombospondin type 1 motif 17; minus strand). Cytogenetic location: 15q26.3.
Variant type: single nucleotide variant.
Coding change: c.*2013T>G on transcript NM_139057.4 (MANE Select); 2013 bases downstream of the stop codon, T replaced by G.
Molecular consequence: 3 prime UTR variant.
Genome position (GRCh38, 1-based): chr15:99,972,389, A>C on the plus strand (T>G on the coding strand, the complement: ADAMTS17 is on the minus strand). VCF-style: chr15-99972389-A-C. GRCh37 (hg19) VCF-style: chr15-100512594-A-C.
Identifiers: ClinVar variation 315163 (VCV000315163.6), dbSNP rs2727194, ClinGen allele CA10636892.
Genomic context (GRCh38, chr15:99,972,389, plus strand): 5'-CTGACAATAACCCAATCAATCCTTTTCATTCTGAGGGTGTGGGGCCCTTGCCAGGGTGAC[A>C]GTGGGCATATCTGGAGGCCCCGGGGCCCATGCAGGAGACCAAGCTAAGGCTTCCTTAGTG-3'

ClinVar aggregate classification (germline): Benign. Review status: criteria provided, multiple submitters, no conflicts (2 of 4 stars). 2 submissions from 2 submitters: Benign (2). Last evaluated 2018-01-12.

Conditions:
Weill-Marchesani 4 syndrome, recessive. Also called: Weill-Marchesani syndrome 4. Identifiers: Orphanet 363992, MedGen C2750787, MONDO:0013176, OMIM 613195.

Allele frequency attached by ClinVar (database versions not stated): 1000 Genomes Project 30x 0.99969; 1000 Genomes Project 0.99980; TOPMed 0.99998; gnomAD exomes 1.00000.
gnomAD v4.1: 152,289 of 152,328 alleles (100%); highest among the groups gnomAD compares: Middle Eastern, 100%; 76,125 homozygotes.

Submissions (2):

Illumina Laboratory Services, Illumina
Classification: Benign for Weill-Marchesani 4 syndrome, recessive. Last evaluated: 2018-01-12. Review status: criteria provided, single submitter. Criteria: ICSL Variant Classification Criteria 13 December 2019. Collection method: clinical testing. Allele origin: germline.
Comment: This variant was observed in the ICSL laboratory as part of a predisposition screen in an ostensibly healthy population. It had not been previously curated by ICSL or reported in the Human Gene Mutation Database (HGMD: prior to June 1st, 2018), and was therefore a candidate for classification through an automated scoring system. Utilizing variant allele frequency, disease prevalence and penetrance estimates, and inheritance mode, an automated score was calculated to assess if this variant is too frequent to cause the disease. Based on the score and internal cut-off values, a variant classified as benign is not then subjected to further curation. The score for this variant resulted in a classification of benign for this disease.

Breakthrough Genomics
Classification: Benign. Review status: criteria provided, single submitter. Criteria: ACMG Guidelines, 2015. Collection method: not provided. Allele origin: germline. Inheritance: Autosomal recessive inheritance. Affected: yes.